The following is an entry in ClinVar:

ClinVar aggregate classification (germline): Conflicting classifications of pathogenicity. Review status: criteria provided, conflicting classifications (1 of 4 stars). 4 submissions from 4 submitters: Uncertain significance (2); Likely benign (2). Last evaluated 2026-01-19.

Conditions:
Metachromatic leukodystrophy (MLD). Also called: Cerebral sclerosis diffuse metachromatic form; Arylsulfatase A Deficiency; METACHROMATIC LEUKOENCEPHALOPATHY; SULFATIDE LIPIDOSIS; ARSA DEFICIENCY; CEREBROSIDE SULFATASE DEFICIENCY. Identifiers: Orphanet 512, MedGen C0023522, MONDO:0018868, OMIM 250100.

Allele frequency attached by ClinVar (database versions not stated): gnomAD 0.00005 and 0.00006; TOPMed 0.00006.
gnomAD v4.1: 140 of 1,613,102 alleles (0.0087%); highest among the groups gnomAD compares: Middle Eastern, 0.016%; no homozygotes.

Submissions (4):

Labcorp Genetics (formerly Invitae), Labcorp
Classification: Likely benign for Metachromatic leukodystrophy. Last evaluated: 2026-01-19. Review status: criteria provided, single submitter. Criteria: Invitae Variant Classification Sherloc (09022015). Collection method: clinical testing. Allele origin: germline.

Mayo Clinic Laboratories, Mayo Clinic
Classification: Likely benign. Last evaluated: 2025-05-20. Review status: criteria provided, single submitter. Criteria: ACMG Guidelines, 2015. Collection method: clinical testing. Allele origin: germline. Observed: 1 variant allele.
Comment: BP4, BP7

Illumina Laboratory Services, Illumina
Classification: Uncertain significance for Metachromatic leukodystrophy. Last evaluated: 2018-01-13. Review status: criteria provided, single submitter. Criteria: ICSL Variant Classification Criteria 13 December 2019. Collection method: clinical testing. Allele origin: germline.

Eurofins Ntd Llc (ga)
Classification: Uncertain significance. Last evaluated: 2016-06-30. Review status: criteria provided, single submitter. Criteria: EGL Classification Definitions 2015. Collection method: clinical testing. Allele origin: germline. Observed: 1 variant allele, 1 heterozygote.

NM_000487.6(ARSA):c.918G>A (p.Thr306=)

Gene: ARSA (arylsulfatase A; minus strand). Cytogenetic location: 22q13.33.
Variant type: single nucleotide variant.
Coding change: c.918G>A on transcript NM_000487.6 (MANE Select); coding-DNA position 918, G replaced by A.
Protein change: p.Thr306=; no amino-acid change (threonine 306 retained).
Molecular consequence: synonymous variant.
Genome position (GRCh38, 1-based): chr22:50,626,215, C>T on the plus strand (G>A on the coding strand, the complement: ARSA is on the minus strand). VCF-style: chr22-50626215-C-T. GRCh37 (hg19) VCF-style: chr22-51064643-C-T.
Other names: p.Thr306=; c.918G>A, p.Thr306= (NM_001085425.3, NM_001085426.3, NM_001085427.3); c.660G>A, p.Thr220= (NM_001085428.3, NM_001362782.2).
Identifiers: ClinVar variation 288377 (VCV000288377.21), dbSNP rs370250328, ClinGen allele CA10324877.